The following is an entry in ClinVar:

NM_001385125.1(OPN1SW):c.130A>G (p.Ile44Val)

Gene: OPN1SW (opsin 1, short wave sensitive; minus strand). Cytogenetic location: 7q32.1.
Variant type: single nucleotide variant.
Coding change: c.130A>G on transcript NM_001385125.1 (MANE Select); coding-DNA position 130, A replaced by G.
Protein change: p.Ile44Val; replaces isoleucine 44 with valine.
Molecular consequence: missense variant.
Genome position (GRCh38, 1-based): chr7:128,775,652, T>C on the plus strand (A>G on the coding strand, the complement: OPN1SW is on the minus strand). VCF-style: chr7-128775652-T-C. GRCh37 (hg19) VCF-style: chr7-128415706-T-C.
Other names: short protein forms I44V.
Identifiers: ClinVar variation 2001750 (VCV002001750.4), dbSNP rs1008553132, ClinGen allele CA166213307.
Genomic context (GRCh38, chr7:128,775,652, plus strand): 5'-GCCGCAACTTTTTGTAGCGCAGTGTGGCCACCAGCACCATGGCATTGAGTGGGAACCCTA[T>C]AAGGAAGACAGTGCCCATGAAAGCTGCCTGGAGGTAGAAGGCCCAGACAGGGGCAATGTG-3'
Protein context (NP_001372054.1, residues 34-54): QAAFMGTVFL[Ile44Val]GFPLNAMVLV

ClinVar aggregate classification (germline): Uncertain significance (1 of 4 stars; one submission).

Allele frequency attached by ClinVar (database versions not stated): gnomAD exomes below 0.00001; gnomAD 0.00002; TOPMed 0.00002.
gnomAD v4.1: 4 of 1,613,976 alleles (0.00025%); highest among the groups gnomAD compares: African/African-American, 0.0053%; no homozygotes.

Submission:

Labcorp Genetics (formerly Invitae), Labcorp
Classification: Uncertain significance. Last evaluated: 2022-06-01. Review status: criteria provided, single submitter. Criteria: Invitae Variant Classification Sherloc (09022015). Collection method: clinical testing. Allele origin: germline.
Comment: In summary, the available evidence is currently insufficient to determine the role of this variant in disease. Therefore, it has been classified as a Variant of Uncertain Significance. Algorithms developed to predict the effect of missense changes on protein structure and function output the following: SIFT: "Tolerated"; PolyPhen-2: "Benign"; Align-GVGD: "Class C0". The valine amino acid residue is found in multiple mammalian species, which suggests that this missense change does not adversely affect protein function. This variant has not been reported in the literature in individuals affected with OPN1SW-related conditions. This variant is present in population databases (no rsID available, gnomAD 0.007%). This sequence change replaces isoleucine, which is neutral and non-polar, with valine, which is neutral and non-polar, at codon 47 of the OPN1SW protein (p.Ile47Val).